The following is an entry in ClinVar:

ClinVar aggregate classification (germline): Uncertain significance (1 of 4 stars; one submission).

gnomAD v4.1: 66 of 1,613,614 alleles (0.0041%); highest among the groups gnomAD compares: Non-Finnish European, 0.0055%; no homozygotes.

Submission:

Women's Health and Genetics/Laboratory Corporation of America, LabCorp
Classification: Uncertain significance. Last evaluated: 2024-12-16. Review status: criteria provided, single submitter. Criteria: LabCorp Variant Classification Summary - May 2015. Collection method: clinical testing. Allele origin: germline.
Comment: Variant summary: LYST c.6902T>C (p.Val2301Ala) results in a non-conservative amino acid change in the encoded protein sequence. Three of four in-silico tools predict a benign effect of the variant on protein function. The variant allele was found at a frequency of 1.2e-05 in 251026 control chromosomes. The available data on variant occurrences in the general population are insufficient to allow any conclusion about variant significance. To our knowledge, no occurrence of c.6902T>C in individuals affected with Chediak-Higashi Syndrome and no experimental evidence demonstrating its impact on protein function have been reported. No submitters have cited clinical-significance assessments for this variant to ClinVar. Based on the evidence outlined above, the variant was classified as uncertain significance.

NM_000081.4(LYST):c.6902T>C (p.Val2301Ala)

Gene: LYST (lysosomal trafficking regulator; minus strand). Cytogenetic location: 1q42.3.
Variant type: single nucleotide variant.
Coding change: c.6902T>C on transcript NM_000081.4 (MANE Select); coding-DNA position 6902, T replaced by C.
Protein change: p.Val2301Ala; replaces valine 2301 with alanine.
Molecular consequence: missense variant.
Genome position (GRCh38, 1-based): chr1:235,757,438, A>G on the plus strand (T>C on the coding strand, the complement: LYST is on the minus strand). VCF-style: chr1-235757438-A-G. GRCh37 (hg19) VCF-style: chr1-235920738-A-G.
Other names: c.6902T>C, p.Val2301Ala (NM_001301365.1); short protein forms V2301A.
Identifiers: ClinVar variation 3768026 (VCV003768026.1).